The following is an entry in ClinVar:

ClinVar aggregate classification (germline): Likely benign. Review status: criteria provided, multiple submitters, no conflicts (2 of 4 stars). 3 submissions from 3 submitters: Likely benign (2). 1 of the submissions does not count toward it. Last evaluated 2025-09-28.

Conditions:
Hereditary cancer-predisposing syndrome. Also called: Neoplastic Syndromes, Hereditary; Tumor predisposition; Hereditary Cancer Syndrome; Hereditary neoplastic syndrome. Identifiers: Orphanet 140162, MedGen C0027672, MeSH D009386, MONDO:0015356.
RAD50-related disorder. Also called: RAD50-related condition.

Allele frequency attached by ClinVar (database versions not stated): gnomAD exomes below 0.00001.
gnomAD v4.1: 2 of 1,613,870 alleles (0.00012%); highest among the groups gnomAD compares: Middle Eastern, 0.016%; no homozygotes.

Submissions (3):

Labcorp Genetics (formerly Invitae), Labcorp
Classification: Likely benign for Hereditary cancer-predisposing syndrome. Last evaluated: 2025-09-28. Review status: criteria provided, single submitter. Criteria: Invitae Variant Classification Sherloc (09022015). Collection method: clinical testing. Allele origin: germline.

Ambry Genetics
Classification: Likely benign for Hereditary cancer-predisposing syndrome. Last evaluated: 2016-03-03. Review status: criteria provided, single submitter. Criteria: Ambry Variant Classification Scheme 2023. Collection method: clinical testing. Allele origin: germline.

PreventionGenetics, part of Exact Sciences
Classification: Likely benign for RAD50-related condition. Last evaluated: 2022-09-09. Review status: no assertion criteria provided. Collection method: clinical testing. Allele origin: germline. Not counted in ClinVar's aggregate classification.
Comment: This variant is classified as likely benign based on ACMG/AMP sequence variant interpretation guidelines (Richards et al. 2015 PMID: 25741868, with internal and published modifications).

NM_005732.4(RAD50):c.3000T>C (p.Asp1000=)

Gene: RAD50 (RAD50 double strand break repair protein; plus strand). Cytogenetic location: 5q31.1.
Variant type: single nucleotide variant.
Coding change: c.3000T>C on transcript NM_005732.4 (MANE Select); coding-DNA position 3000, T replaced by C.
Protein change: p.Asp1000=; no amino-acid change (aspartic acid 1000 retained).
Molecular consequence: synonymous variant.
Genome position (GRCh38, 1-based): chr5:132,609,360, T>C. VCF-style: chr5-132609360-T-C. GRCh37 (hg19) VCF-style: chr5-131945052-T-C.
Identifiers: ClinVar variation 457427 (VCV000457427.15), dbSNP rs1554099393, ClinGen allele CA446495348.